The following is an entry in ClinVar:

NM_000179.3(MSH6):c.2777T>G (p.Leu926Arg)

Gene: MSH6 (mutS homolog 6; plus strand). Cytogenetic location: 2p16.3.
Variant type: single nucleotide variant.
Coding change: c.2777T>G on transcript NM_000179.3 (MANE Select); coding-DNA position 2777, T replaced by G.
Protein change: p.Leu926Arg; replaces leucine 926 with arginine.
Molecular consequence: missense variant.
Genome position (GRCh38, 1-based): chr2:47,800,760, T>G. VCF-style: chr2-47800760-T-G. GRCh37 (hg19) VCF-style: chr2-48027899-T-G.
Other names: c.2387T>G, p.Leu796Arg (NM_001281492.2); c.1871T>G, p.Leu624Arg (NM_001281493.2, NM_001281494.2); short protein forms L624R, L796R, L926R.
Identifiers: ClinVar variation 999451 (VCV000999451.12), dbSNP rs1060502948, ClinGen allele CA346755472.

ClinVar aggregate classification (germline): Uncertain significance. Review status: criteria provided, multiple submitters, no conflicts (2 of 4 stars). 2 submissions from 2 submitters: Uncertain significance (2). Last evaluated 2024-10-14.

Conditions:
Hereditary cancer-predisposing syndrome. Also called: Neoplastic Syndromes, Hereditary; Tumor predisposition; Hereditary Cancer Syndrome; Hereditary neoplastic syndrome. Identifiers: Orphanet 140162, MedGen C0027672, MeSH D009386, MONDO:0015356.
Hereditary nonpolyposis colorectal neoplasms. Identifiers: MedGen C0009405, MeSH D003123.

Submissions (2):

Ambry Genetics
Classification: Uncertain significance for Hereditary cancer-predisposing syndrome. Last evaluated: 2024-10-14. Review status: criteria provided, single submitter. Criteria: Ambry Variant Classification Scheme 2023. Collection method: clinical testing. Allele origin: germline.
Comment: The p.L926R variant (also known as c.2777T>G), located in coding exon 4 of the MSH6 gene, results from a T to G substitution at nucleotide position 2777. The leucine at codon 926 is replaced by arginine, an amino acid with dissimilar properties. This amino acid position is not well conserved in available vertebrate species. In addition, the in silico prediction for this alteration is inconclusive. Based on the available evidence, the clinical significance of this variant remains unclear.

Labcorp Genetics (formerly Invitae), Labcorp
Classification: Uncertain significance for Hereditary nonpolyposis colorectal neoplasms. Last evaluated: 2020-10-04. Review status: criteria provided, single submitter. Criteria: Invitae Variant Classification Sherloc (09022015). Collection method: clinical testing. Allele origin: germline.
Comment: This sequence change replaces leucine with arginine at codon 926 of the MSH6 protein (p.Leu926Arg). The leucine residue is weakly conserved and there is a moderate physicochemical difference between leucine and arginine. This variant is not present in population databases (ExAC no frequency). This variant has not been reported in the literature in individuals with MSH6-related conditions. Advanced modeling of protein sequence and biophysical properties (such as structural, functional, and spatial information, amino acid conservation, physicochemical variation, residue mobility, and thermodynamic stability) performed at Invitae indicates that this missense variant is not expected to disrupt MSH6 protein function. In summary, the available evidence is currently insufficient to determine the role of this variant in disease. Therefore, it has been classified as a Variant of Uncertain Significance.